The following is an entry in ClinVar:

ClinVar aggregate classification (germline): Uncertain significance (1 of 4 stars; one submission).

Conditions:
EPILEPSY, CHILDHOOD ABSENCE, SUSCEPTIBILITY TO, 2 (ECA2). Identifiers: Orphanet 64280, MedGen C1843244, OMIM 607681.
Febrile seizures, familial, 8 (FEB8). Also called: CONVULSIONS, FAMILIAL FEBRILE, 8. Identifiers: Orphanet 36387, MedGen C1969810, MONDO:0011891, OMIM 607681.

Submission:

Labcorp Genetics (formerly Invitae), Labcorp
Classification: Uncertain significance for Febrile seizures, familial, 8; EPILEPSY, CHILDHOOD ABSENCE, SUSCEPTIBILITY TO, 2. Last evaluated: 2022-10-26. Review status: criteria provided, single submitter. Criteria: Invitae Variant Classification Sherloc (09022015). Collection method: clinical testing. Allele origin: germline.
Comment: This variant is not present in population databases (gnomAD no frequency). This variant has not been reported in the literature in individuals affected with GABRG2-related conditions. Advanced modeling of protein sequence and biophysical properties (such as structural, functional, and spatial information, amino acid conservation, physicochemical variation, residue mobility, and thermodynamic stability) performed at Invitae indicates that this missense variant is not expected to disrupt GABRG2 protein function. In summary, the available evidence is currently insufficient to determine the role of this variant in disease. Therefore, it has been classified as a Variant of Uncertain Significance. This sequence change replaces serine, which is neutral and polar, with arginine, which is basic and polar, at codon 2 of the GABRG2 protein (p.Ser2Arg).

NM_198904.4(GABRG2):c.6T>G (p.Ser2Arg)

Gene: GABRG2 (gamma-aminobutyric acid type A receptor subunit gamma2; plus strand). Cytogenetic location: 5q34.
Variant type: single nucleotide variant.
Coding change: c.6T>G on transcript NM_198904.4 (MANE Select); coding-DNA position 6, T replaced by G.
Protein change: p.Ser2Arg; replaces serine 2 with arginine.
Molecular consequence: missense variant. On other transcripts: 5 prime UTR variant (3), intron variant (3).
Genome position (GRCh38, 1-based): chr5:162,068,005, T>G. VCF-style: chr5-162068005-T-G. GRCh37 (hg19) VCF-style: chr5-161495011-T-G.
Other names: c.6T>G, p.Ser2Arg (NM_000816.3, NM_001375339.1, NM_001375340.1 and 5 more transcripts); c.-353T>G (NM_001375348.1, NM_001375350.1); c.-401T>G (NM_001375349.1); c.-3-58T>G (NM_001375346.1, NM_001375345.1); c.20+364T>G (NM_001375347.1); short protein forms S2R.
Identifiers: ClinVar variation 1722218 (VCV001722218.6), dbSNP rs1581276004, ClinGen allele CA362181713.